The following is an entry in ClinVar:

ClinVar aggregate classification (germline): Uncertain significance (1 of 4 stars; one submission).

Conditions:
Alstrom syndrome (ALMS). Identifiers: Orphanet 64, MedGen C0268425, MONDO:0008763, OMIM 203800.

Submission:

Labcorp Genetics (formerly Invitae), Labcorp
Classification: Uncertain significance for Alstrom syndrome. Last evaluated: 2020-02-27. Review status: criteria provided, single submitter. Criteria: Invitae Variant Classification Sherloc (09022015). Collection method: clinical testing. Allele origin: germline.
Comment: This variant has not been reported in the literature in individuals with ALMS1-related conditions. This sequence change replaces threonine with serine at codon 621 of the ALMS1 protein (p.Thr621Ser). The threonine residue is weakly conserved and there is a small physicochemical difference between threonine and serine. This variant is not present in population databases (ExAC no frequency). Experimental studies and prediction algorithms are not available or were not evaluated, and the functional significance of this variant is currently unknown. In summary, the available evidence is currently insufficient to determine the role of this variant in disease. Therefore, it has been classified as a Variant of Uncertain Significance.

NM_001378454.1(ALMS1):c.1859C>G (p.Thr620Ser)

Gene: ALMS1 (ALMS1 centrosome and basal body associated protein; plus strand). Cytogenetic location: 2p13.1.
Variant type: single nucleotide variant.
Coding change: c.1859C>G on transcript NM_001378454.1 (MANE Select); coding-DNA position 1859, C replaced by G.
Protein change: p.Thr620Ser; replaces threonine 620 with serine.
Molecular consequence: missense variant.
Genome position (GRCh38, 1-based): chr2:73,448,386, C>G. VCF-style: chr2-73448386-C-G. GRCh37 (hg19) VCF-style: chr2-73675513-C-G.
Other names: c.1862C>G, p.Thr621Ser (NM_015120.4); short protein forms T620S, T621S.
Identifiers: ClinVar variation 1025323 (VCV001025323.7), dbSNP rs1447523847, ClinGen allele CA347265616.